The following is an entry in ClinVar:

NM_001009944.3(PKD1):c.8100A>G (p.Ala2700=)

Gene: PKD1 (polycystin 1, transient receptor potential channel interacting; minus strand). Cytogenetic location: 16p13.3.
Variant type: single nucleotide variant.
Coding change: c.8100A>G on transcript NM_001009944.3 (MANE Select); coding-DNA position 8100, A replaced by G.
Protein change: p.Ala2700=; no amino-acid change (alanine 2700 retained).
Molecular consequence: synonymous variant.
Genome position (GRCh38, 1-based): chr16:2,104,559, T>C on the plus strand (A>G on the coding strand, the complement: PKD1 is on the minus strand). VCF-style: chr16-2104559-T-C. GRCh37 (hg19) VCF-style: chr16-2154560-T-C.
Other names: c.8100A>G (NM_001009944.2); c.8100A>G, p.Ala2700= (NM_000296.4).
Identifiers: ClinVar variation 994277 (VCV000994277.12), dbSNP rs372759889, ClinGen allele CA7830723.

ClinVar aggregate classification (germline): Likely benign. Review status: criteria provided, multiple submitters, no conflicts (2 of 4 stars). 4 submissions from 4 submitters: Likely benign (3). 1 of the submissions does not count toward it. Last evaluated 2024-07-29.

Conditions:
Polycystic kidney disease, adult type (PKD1). Also called: POLYCYSTIC KIDNEY DISEASE, ADULT, TYPE I; Polycystic Kidney, Autosomal Dominant; POLYCYSTIC KIDNEY DISEASE 1 WITH OR WITHOUT POLYCYSTIC LIVER DISEASE; Polycystic Kidney Disease 1, Autosomal Dominant; Polycystic kidney disease 1; Polycystic kidney disease 1, severe. Identifiers: MedGen C3149841, MONDO:0008263, OMIM 173900.
PKD1-related disorder. Also called: PKD1-related condition.

Allele frequency attached by ClinVar (database versions not stated): ExAC 0.00005; gnomAD exomes 0.00008 and 0.00021; TOPMed 0.00012; gnomAD 0.00014 and 0.00015; ESP Exome Variant Server 0.00016.
gnomAD v4.1: 326 of 1,598,996 alleles (0.02%); highest among the groups gnomAD compares: Non-Finnish European, 0.026%; no homozygotes.

Submissions (4):

Blueprint Genetics
Classification: Likely benign. Last evaluated: 2024-07-29. Review status: criteria provided, single submitter. Criteria: ACMG Guidelines, 2015. Collection method: clinical testing. Allele origin: germline.

Fulgent Genetics
Classification: Likely benign for Polycystic kidney disease, adult type. Last evaluated: 2021-09-23. Review status: criteria provided, single submitter. Criteria: ACMG Guidelines, 2015. Collection method: clinical testing. Allele origin: unknown.

ARUP Laboratories, Molecular Genetics and Genomics, ARUP Laboratories
Classification: Likely benign for Polycystic kidney disease, adult type. Last evaluated: 2020-02-26. Review status: criteria provided, single submitter. Criteria: ARUP Molecular Germline Variant Investigation Process. Collection method: clinical testing. Allele origin: germline.

PreventionGenetics, part of Exact Sciences
Classification: Likely benign for PKD1-related condition. Last evaluated: 2022-06-21. Review status: no assertion criteria provided. Collection method: clinical testing. Allele origin: germline. Not counted in ClinVar's aggregate classification.
Comment: This variant is classified as likely benign based on ACMG/AMP sequence variant interpretation guidelines (Richards et al. 2015 PMID: 25741868, with internal and published modifications).